The following is an entry in ClinVar:

ClinVar aggregate classification (germline): Conflicting classifications of pathogenicity. Review status: criteria provided, conflicting classifications (1 of 4 stars). 4 submissions from 4 submitters: Pathogenic (1); Likely pathogenic (2); Uncertain significance (1). Last evaluated 2025-01-20.

Conditions:
Neurofibromatosis, type 1 (NF1). Also called: NEUROFIBROMATOSIS, TYPE I, SOMATIC; VON RECKLINGHAUSEN DISEASE; Peripheral type neurofibromatosis; Neurofibromatosis, type I. Identifiers: Orphanet 636, MedGen C0027831, MONDO:0018975, OMIM 162200. Disease mechanism: loss of function.

Submissions (4):

3billion
Classification: Likely pathogenic for Neurofibromatosis, type 1. Last evaluated: 2025-01-20. Review status: criteria provided, single submitter. Criteria: ACMG Guidelines, 2015. Collection method: clinical testing. Allele origin: germline. Affected: yes.
Comment: The variant is not observed in the gnomAD v4.1.0 dataset. Predicted Consequence/Location: Missense variant In silico tool predictions suggest damaging effect of the variant on gene or gene product [REVEL: 0.86 (>=0.6, sensitivity 0.68 and specificity 0.92); 3Cnet: 0.97 (>=0.6, sensitivity 0.72 and precision 0.9)]. The same nucleotide change resulting in the same amino acid change has been previously reported to be associated with NF1-related disorder (PMID: 31776437). The variant has been previously reported as assumed (i.e. paternity and maternity not confirmed) de novo in at least one similarly affected unrelated individual (PMID: 31776437). Therefore, this variant is classified as Likely pathogenic according to the recommendation of ACMG/AMP guideline.

Labcorp Genetics (formerly Invitae), Labcorp
Classification: Pathogenic for Neurofibromatosis, type 1. Last evaluated: 2024-10-12. Review status: criteria provided, single submitter. Criteria: Invitae Variant Classification Sherloc (09022015). Collection method: clinical testing. Allele origin: germline.
Comment: This sequence change replaces phenylalanine, which is neutral and non-polar, with serine, which is neutral and polar, at codon 443 of the NF1 protein (p.Phe443Ser). This variant is not present in population databases (gnomAD no frequency). This missense change has been observed in individual(s) with clinical features of neurofibromatosis, type 1 (PMID: 31776437; internal data). In at least one individual the variant was observed to be de novo. ClinVar contains an entry for this variant (Variation ID: 547588). Invitae Evidence Modeling of protein sequence and biophysical properties (such as structural, functional, and spatial information, amino acid conservation, physicochemical variation, residue mobility, and thermodynamic stability) indicates that this missense variant is expected to disrupt NF1 protein function with a positive predictive value of 95%. For these reasons, this variant has been classified as Pathogenic.

GeneDx
Classification: Likely pathogenic. Last evaluated: 2024-09-11. Review status: criteria provided, single submitter. Criteria: GeneDx Variant Classification Process June 2021. Collection method: clinical testing. Allele origin: germline. Affected: yes.
Comment: Not observed at significant frequency in large population cohorts (gnomAD); In silico analysis supports that this missense variant has a deleterious effect on protein structure/function; This variant is associated with the following publications: (PMID: 31776437)

Center for Human Genetics, Inc
Classification: Uncertain significance for Neurofibromatosis, type 1. Last evaluated: 2016-11-01. Review status: criteria provided, single submitter. Criteria: ACMG Guidelines, 2015. Collection method: clinical testing. Allele origin: germline. Affected: yes.

Literature cited by the submitters: PubMed 31776437 (cited by 3billion and Labcorp Genetics (formerly Invitae), Labcorp).

NM_001042492.3(NF1):c.1328T>C (p.Phe443Ser)

Gene: NF1 (neurofibromin 1; plus strand). Cytogenetic location: 17q11.2.
Variant type: single nucleotide variant.
Coding change: c.1328T>C on transcript NM_001042492.3 (MANE Select); coding-DNA position 1328, T replaced by C.
Protein change: p.Phe443Ser; replaces phenylalanine 443 with serine.
Molecular consequence: missense variant.
Genome position (GRCh38, 1-based): chr17:31,206,307, T>C. VCF-style: chr17-31206307-T-C. GRCh37 (hg19) VCF-style: chr17-29533325-T-C.
Other names: c.1328T>C, p.Phe443Ser (NM_000267.4, NM_001128147.3); short protein forms F443S.
Identifiers: ClinVar variation 547588 (VCV000547588.11), dbSNP rs1555611581, ClinGen allele CA398999496.
Genomic context (GRCh38, chr17:31,206,307, plus strand): 5'-TGGATTGGTGGCCTAAGATTGATGCTGTGTATTGTCACTCGGTTGAACTTCGAAATATGT[T>C]TGGTGAAACACTTCATAAAGCAGTGCAAGGTTGTGGAGCACACCCAGCAATACGAATGGC-3'
Protein context (NP_001035957.1, residues 433-453): YCHSVELRNM[Phe443Ser]GETLHKAVQG